The following is an entry in ClinVar:

NM_001130438.3(SPTAN1):c.1879C>T (p.Arg627Ter)

Gene: SPTAN1 (spectrin alpha, non-erythrocytic 1; plus strand). Cytogenetic location: 9q34.11.
Variant type: single nucleotide variant.
Coding change: c.1879C>T on transcript NM_001130438.3 (MANE Select); coding-DNA position 1879, C replaced by T.
Protein change: p.Arg627Ter; replaces arginine 627 with a stop codon.
Molecular consequence: nonsense.
Genome position (GRCh38, 1-based): chr9:128,583,149, C>T. VCF-style: chr9-128583149-C-T. GRCh37 (hg19) VCF-style: chr9-131345428-C-T.
Other names: c.1879C>T, p.Arg627Ter (NM_001195532.2, NM_001363759.2, NM_001363765.2 and 5 more transcripts); c.1915C>T, p.Arg639Ter (NM_001375312.2, NM_001375318.1); c.1879C>T (NM_001130438.2); short protein forms R627*, R639*.
Identifiers: ClinVar variation 2576149 (VCV002576149.2), dbSNP rs2541168710, ClinGen allele CA375055638.
Genomic context (GRCh38, chr9:128,583,149, plus strand): 5'-CTACAAGGAAAAGTACAGAAGCATCAGGCTTTTGAGGCTGAGCTCTCAGCAAACCAGAGC[C>T]GAATTGATGCCTTGGAGAAAGCTGGCCAAAAGCTGATTGATGTCAACCACTATGCCAAGG-3'

ClinVar aggregate classification (germline): Pathogenic/Likely pathogenic. Review status: criteria provided, multiple submitters, no conflicts (2 of 4 stars). 2 submissions from 2 submitters: Pathogenic (1); Likely pathogenic (1). Last evaluated 2025-04-03.

Submissions (2):

GeneDx
Classification: Pathogenic. Last evaluated: 2025-04-03. Review status: criteria provided, single submitter. Criteria: GeneDx Variant Classification Process June 2021. Collection method: clinical testing. Allele origin: germline. Affected: yes.
Comment: Nonsense variant predicted to result in protein truncation or nonsense mediated decay in a gene for which loss of function is a known mechanism of disease; Not observed in large population cohorts (gnomAD); This variant is associated with the following publications: (PMID: 36331550)

Institute for Clinical Genetics, University Hospital TU Dresden, University Hospital TU Dresden
Classification: Likely pathogenic. Last evaluated: 2023-07-13. Review status: criteria provided, single submitter. Criteria: ACMG Guidelines, 2015. Collection method: clinical testing. Allele origin: germline.
Comment: PVS1, PM2_SUP